The following is an entry in ClinVar:

ClinVar aggregate classification (germline): Uncertain significance (1 of 4 stars; one submission).

Conditions:
Mosaic variegated aneuploidy syndrome 1 (MVA1). Also called: Warburton-Anyane-Yeboa syndrome. Identifiers: Orphanet 1052, MedGen C1850343, MONDO:0009759, OMIM 257300.

Allele frequency attached by ClinVar (database versions not stated): gnomAD 0.00001 and 0.00002; TOPMed 0.00001; gnomAD exomes 0.00004; ExAC 0.00005.
gnomAD v4.1: 23 of 1,613,950 alleles (0.0014%); highest among the groups gnomAD compares: Middle Eastern, 0.016%; no homozygotes.

Submission:

Labcorp Genetics (formerly Invitae), Labcorp
Classification: Uncertain significance for Mosaic variegated aneuploidy syndrome 1. Last evaluated: 2024-11-21. Review status: criteria provided, single submitter. Criteria: Invitae Variant Classification Sherloc (09022015). Collection method: clinical testing. Allele origin: germline.
Comment: This sequence change replaces arginine, which is basic and polar, with histidine, which is basic and polar, at codon 130 of the BUB1B protein (p.Arg130His). This variant is present in population databases (rs748721987, gnomAD 0.02%). This variant has not been reported in the literature in individuals affected with BUB1B-related conditions. ClinVar contains an entry for this variant (Variation ID: 863135). An algorithm developed to predict the effect of missense changes on protein structure and function outputs the following: PolyPhen-2: "Benign". The histidine amino acid residue is found in multiple mammalian species, which suggests that this missense change does not adversely affect protein function. In summary, the available evidence is currently insufficient to determine the role of this variant in disease. Therefore, it has been classified as a Variant of Uncertain Significance.

NM_001211.6(BUB1B):c.389G>A (p.Arg130His)

Gene: BUB1B (BUB1 mitotic checkpoint serine/threonine kinase B; plus strand). Cytogenetic location: 15q15.1.
Variant type: single nucleotide variant.
Coding change: c.389G>A on transcript NM_001211.6 (MANE Select); coding-DNA position 389, G replaced by A.
Protein change: p.Arg130His; replaces arginine 130 with histidine.
Molecular consequence: missense variant.
Genome position (GRCh38, 1-based): chr15:40,176,481, G>A. VCF-style: chr15-40176481-G-A. GRCh37 (hg19) VCF-style: chr15-40468682-G-A.
Other names: short protein forms R130H.
Identifiers: ClinVar variation 863135 (VCV000863135.9), dbSNP rs748721987, ClinGen allele CA7475479.